The following is an entry in ClinVar:

NM_000051.4(ATM):c.2628A>C (p.Gln876His)

Gene: ATM (ATM serine/threonine kinase; plus strand). Cytogenetic location: 11q22.3.
Variant type: single nucleotide variant.
Coding change: c.2628A>C on transcript NM_000051.4 (MANE Select); coding-DNA position 2628, A replaced by C.
Protein change: p.Gln876His; replaces glutamine 876 with histidine.
Molecular consequence: missense variant.
Genome position (GRCh38, 1-based): chr11:108,267,332, A>C. VCF-style: chr11-108267332-A-C. GRCh37 (hg19) VCF-style: chr11-108138059-A-C.
Other names: c.2628A>C, p.Gln876His (NM_001351834.2); short protein forms Q876H.
Identifiers: ClinVar variation 2587822 (VCV002587822.2), dbSNP rs1339119718, ClinGen allele CA382544301.

ClinVar aggregate classification (germline): Uncertain significance (1 of 4 stars; one submission).

Conditions:
Hereditary cancer-predisposing syndrome. Also called: Tumor predisposition; Hereditary Cancer Syndrome; Hereditary neoplastic syndrome; Neoplastic Syndromes, Hereditary. Identifiers: Orphanet 140162, MedGen C0027672, MeSH D009386, MONDO:0015356.

Submission:

Ambry Genetics
Classification: Uncertain significance for Hereditary cancer-predisposing syndrome. Last evaluated: 2023-09-14. Review status: criteria provided, single submitter. Criteria: Ambry Variant Classification Scheme 2023. Collection method: clinical testing. Allele origin: germline.
Comment: The p.Q876H variant (also known as c.2628A>C), located in coding exon 16 of the ATM gene, results from an A to C substitution at nucleotide position 2628. The glutamine at codon 876 is replaced by histidine, an amino acid with highly similar properties. This amino acid position is conserved. In addition, this alteration is predicted to be tolerated by in silico analysis. Since supporting evidence is limited at this time, the clinical significance of this alteration remains unclear.